The following is an entry in ClinVar:

ClinVar aggregate classification (germline): Uncertain significance (1 of 4 stars; one submission).

Conditions:
Multiple congenital exostosis (EXT). Also called: MULTIPLE CARTILAGINOUS EXOSTOSES; Multiple exostoses; Hereditary multiple exostoses; Hereditary multiple exostosis; Multiple osteochondromas; Hereditary multiple osteochondromas. Identifiers: Orphanet 321, MedGen C0015306, MONDO:0005508, HP:0002762.

Allele frequency attached by ClinVar (database versions not stated): gnomAD exomes below 0.00001.
gnomAD v4.1: 5 of 1,614,020 alleles (0.00031%); highest among the groups gnomAD compares: Non-Finnish European, 0.00042%; no homozygotes.

Submission:

Labcorp Genetics (formerly Invitae), Labcorp
Classification: Uncertain significance for Multiple congenital exostosis. Last evaluated: 2024-10-29. Review status: criteria provided, single submitter. Criteria: Invitae Variant Classification Sherloc (09022015). Collection method: clinical testing. Allele origin: germline.
Comment: This sequence change falls in intron 10 of the EXT1 gene. It does not directly change the encoded amino acid sequence of the EXT1 protein. It affects a nucleotide within the consensus splice site. This variant is not present in population databases (gnomAD no frequency). This variant has not been reported in the literature in individuals affected with EXT1-related conditions. ClinVar contains an entry for this variant (Variation ID: 953215). Variants that disrupt the consensus splice site are a relatively common cause of aberrant splicing (PMID: 17576681, 9536098). Algorithms developed to predict the effect of sequence changes on RNA splicing suggest that this variant is not likely to affect RNA splicing. In summary, the available evidence is currently insufficient to determine the role of this variant in disease. Therefore, it has been classified as a Variant of Uncertain Significance.

Literature cited by the submitters: PubMed 17576681; PubMed 9536098.

NM_000127.3(EXT1):c.2055+5G>A

Gene: EXT1 (exostosin glycosyltransferase 1; minus strand). Cytogenetic location: 8q24.11.
Variant type: single nucleotide variant.
Coding change: c.2055+5G>A on transcript NM_000127.3 (MANE Select); 5 bases into the intron after coding-DNA position 2055, G replaced by A.
Molecular consequence: intron variant.
Genome position (GRCh38, 1-based): chr8:117,804,717, C>T on the plus strand (G>A on the coding strand, the complement: EXT1 is on the minus strand). VCF-style: chr8-117804717-C-T. GRCh37 (hg19) VCF-style: chr8-118816956-C-T.
Identifiers: ClinVar variation 953215 (VCV000953215.7), dbSNP rs1823212383, ClinGen allele CA1139660713.